The following is an entry in ClinVar:

ClinVar aggregate classification (germline): Uncertain significance (1 of 4 stars; one submission).

Conditions:
LEPR-related disorder. Also called: LEPR-related disorders; LEPR-related condition.

gnomAD v4.1: 2 of 1,613,342 alleles (0.00012%); highest among the groups gnomAD compares: Non-Finnish European, 0.00017%; no homozygotes.

Submission:

PreventionGenetics, part of Exact Sciences
Classification: Uncertain significance for LEPR-related condition. Last evaluated: 2024-11-18. Review status: criteria provided, single submitter. Criteria: ACMG Guidelines, 2015. Collection method: clinical testing. Allele origin: germline.
Comment: The LEPR c.554A>G variant is predicted to result in the amino acid substitution p.His185Arg. This variant was observed in a cohort of individuals with obesity, and in vitro functional studies showed function similar to wild-type levels (Supplemental Data Set, Shah et al. 2023. PubMed ID: 36864747). This variant is reported in 0.00088% of alleles in individuals of European (Non-Finnish) descent in gnomAD. At this time, the clinical significance of this variant is uncertain due to the absence of conclusive functional and genetic evidence.

NM_002303.6(LEPR):c.554A>G (p.His185Arg)

Gene: LEPR (leptin receptor; plus strand). Cytogenetic location: 1p31.3.
Variant type: single nucleotide variant.
Coding change: c.554A>G on transcript NM_002303.6 (MANE Select); coding-DNA position 554, A replaced by G.
Protein change: p.His185Arg; replaces histidine 185 with arginine.
Molecular consequence: missense variant.
Genome position (GRCh38, 1-based): chr1:65,592,716, A>G. VCF-style: chr1-65592716-A-G. GRCh37 (hg19) VCF-style: chr1-66058399-A-G.
Other names: c.554A>G, p.His185Arg (NM_001003679.3, NM_001003680.3, NM_001198687.2 and 2 more transcripts); short protein forms H185R.
Identifiers: ClinVar variation 3353908 (VCV003353908.2).